The following is an entry in ClinVar:

NM_006015.6(ARID1A):c.2783C>G (p.Pro928Arg)

Gene: ARID1A (AT-rich interaction domain 1A; plus strand). Cytogenetic location: 1p36.11.
Variant type: single nucleotide variant.
Coding change: c.2783C>G on transcript NM_006015.6 (MANE Select); coding-DNA position 2783, C replaced by G.
Protein change: p.Pro928Arg; replaces proline 928 with arginine.
Molecular consequence: missense variant.
Genome position (GRCh38, 1-based): chr1:26,766,271, C>G. VCF-style: chr1-26766271-C-G. GRCh37 (hg19) VCF-style: chr1-27092762-C-G.
Other names: c.2783C>G, p.Pro928Arg (NM_139135.4); short protein forms P928R.
Identifiers: ClinVar variation 3906769 (VCV003906769.1).

ClinVar aggregate classification (germline): Uncertain significance (1 of 4 stars; one submission).

Submission:

GeneDx
Classification: Uncertain significance. Last evaluated: 2024-12-18. Review status: criteria provided, single submitter. Criteria: GeneDx Variant Classification Process June 2021. Collection method: clinical testing. Allele origin: germline. Affected: yes.
Comment: Not observed at significant frequency in large population cohorts (gnomAD); In silico analysis supports that this missense variant has a deleterious effect on protein structure/function; Has not been previously published as pathogenic or benign to our knowledge